The following is an entry in ClinVar:

NM_001271.4(CHD2):c.3257A>G (p.Asp1086Gly)

Gene: CHD2 (chromodomain helicase DNA binding protein 2; plus strand). Cytogenetic location: 15q26.1.
Variant type: single nucleotide variant.
Coding change: c.3257A>G on transcript NM_001271.4 (MANE Select); coding-DNA position 3257, A replaced by G.
Protein change: p.Asp1086Gly; replaces aspartic acid 1086 with glycine.
Molecular consequence: missense variant.
Genome position (GRCh38, 1-based): chr15:92,985,517, A>G. VCF-style: chr15-92985517-A-G. GRCh37 (hg19) VCF-style: chr15-93528747-A-G.
Other names: short protein forms D1086G.
Identifiers: ClinVar variation 2672597 (VCV002672597.23), dbSNP rs2505562258, ClinGen allele CA393895515.

ClinVar aggregate classification (germline): Uncertain significance (1 of 4 stars; one submission).

Submission:

CeGaT Center for Human Genetics Tuebingen
Classification: Uncertain significance. Last evaluated: 2023-11-01. Review status: criteria provided, single submitter. Criteria: CeGaT Center For Human Genetics Tuebingen Variant Classification Criteria Version 2. Collection method: clinical testing. Allele origin: germline. Affected: yes. Observed: 1 variant allele.
Comment: CHD2: PM2, PP2